The following is an entry in ClinVar:

NM_022042.4(SLC26A1):c.1532C>A (p.Ala511Asp)

Genes: IDUA (alpha-L-iduronidase; plus strand), SLC26A1 (solute carrier family 26 member 1; minus strand). Cytogenetic location: 4p16.3.
Variant type: single nucleotide variant.
Coding change: c.1532C>A on transcript NM_022042.4 (MANE Select); coding-DNA position 1532, C replaced by A.
Protein change: p.Ala511Asp; replaces alanine 511 with aspartic acid.
Molecular consequence: missense variant. On other transcripts: intron variant (2).
Genome position (GRCh38, 1-based): chr4:989,407, G>T on the plus strand (C>A on the coding strand, the complement: SLC26A1 is on the minus strand). VCF-style: chr4-989407-G-T. GRCh37 (hg19) VCF-style: chr4-983195-G-T.
Other names: c.1532C>A, p.Ala511Asp (NM_213613.4); c.576+1721C>A (NM_134425.4); c.299+1458G>T (NM_000203.5); short protein forms A511D.
Identifiers: ClinVar variation 952038 (VCV000952038.9), dbSNP rs1714039155, ClinGen allele CA355950922.
Genomic context (GRCh38, chr4:989,407, plus strand): 5'-AGGCCCTCGAACTCTGTGGCATCCTCGTAGAAGGCCGTGTCCCCGATGCGGGCCAGCAGG[G>T]CGGTGCGTGGGCGTTGGGTGCGGCCGGCCAGGCTGAGCAGCGAGAGGATGACGCCAGCCA-3'
Protein context (NP_071325.2, residues 501-521): LAGRTQRPRT[Ala511Asp]LLARIGDTAF

ClinVar aggregate classification (germline): Uncertain significance (1 of 4 stars; one submission).

Submission:

Labcorp Genetics (formerly Invitae), Labcorp
Classification: Uncertain significance. Last evaluated: 2019-05-08. Review status: criteria provided, single submitter. Criteria: Invitae Variant Classification Sherloc (09022015). Collection method: clinical testing. Allele origin: germline.
Comment: In summary, the available evidence is currently insufficient to determine the role of this variant in disease. Therefore, it has been classified as a Variant of Uncertain Significance. Algorithms developed to predict the effect of missense changes on protein structure and function are either unavailable or do not agree on the potential impact of this missense change (SIFT: "Deleterious"; PolyPhen-2: "Possibly Damaging"; Align-GVGD: "Class C0"). This variant has not been reported in the literature in individuals with SLC26A1-related conditions. This variant is not present in population databases (ExAC no frequency). This sequence change replaces alanine with aspartic acid at codon 511 of the SLC26A1 protein (p.Ala511Asp). The alanine residue is moderately conserved and there is a moderate physicochemical difference between alanine and aspartic acid.